The following is an entry in ClinVar:

NM_000082.4(ERCC8):c.569dup (p.Leu190fs)

Gene: ERCC8 (ERCC excision repair 8, CSA ubiquitin ligase complex subunit; minus strand). Cytogenetic location: 5q12.1.
Variant type: Duplication.
Coding change: c.569dup on transcript NM_000082.4 (MANE Select); coding-DNA position 569, one base duplicated (T; older notation c.569dupT).
Protein change: p.Leu190fs; shifts the reading frame from leucine 190.
Molecular consequence: frameshift variant.
Genome position (GRCh38, 1-based): chr5:60,902,490, A duplicated on the plus strand (T on the coding strand, the reverse complement: ERCC8 is on the minus strand); the first of 2 consecutive A bases (chr5:60,902,490-60,902,491); duplicating either gives the same sequence. VCF-style (leftmost placement, unchanged base first): chr5-60902489-T-TA. GRCh37 (hg19) VCF-style: chr5-60198316-T-TA.
Other names: c.395dup, p.Leu132fs (NM_001007233.3); c.110dup, p.Leu37fs (NM_001290285.2); short protein forms L132fs, L37fs, L190fs.
Identifiers: ClinVar variation 3022088 (VCV003022088.3), dbSNP rs2531795527, ClinGen allele CA2740091729.

ClinVar aggregate classification (germline): Pathogenic (1 of 4 stars; one submission).

Submission:

Labcorp Genetics (formerly Invitae), Labcorp
Classification: Pathogenic. Last evaluated: 2023-09-05. Review status: criteria provided, single submitter. Criteria: Invitae Variant Classification Sherloc (09022015). Collection method: clinical testing. Allele origin: germline.
Comment: This sequence change creates a premature translational stop signal (p.Leu190Phefs*10) in the ERCC8 gene. It is expected to result in an absent or disrupted protein product. Loss-of-function variants in ERCC8 are known to be pathogenic (PMID: 29572252). This variant is not present in population databases (gnomAD no frequency). This variant has not been reported in the literature in individuals affected with ERCC8-related conditions. For these reasons, this variant has been classified as Pathogenic.

Literature cited by the submitters: PubMed 29572252.